The following is an entry in ClinVar:

ClinVar aggregate classification (germline): Uncertain significance (1 of 4 stars; one submission).

Submission:

GeneDx
Classification: Uncertain significance. Last evaluated: 2024-03-13. Review status: criteria provided, single submitter. Criteria: GeneDx Variant Classification Process June 2021. Collection method: clinical testing. Allele origin: germline. Affected: yes.
Comment: Not observed at significant frequency in large population cohorts (gnomAD); In silico analysis supports that this missense variant does not alter protein structure/function; Has not been previously published as pathogenic or benign to our knowledge

NM_001270.4(CHD1):c.403T>G (p.Ser135Ala)

Gene: CHD1 (chromodomain helicase DNA binding protein 1; minus strand). Cytogenetic location: 5q21.1.
Variant type: single nucleotide variant.
Coding change: c.403T>G on transcript NM_001270.4 (MANE Select); coding-DNA position 403, T replaced by G.
Protein change: p.Ser135Ala; replaces serine 135 with alanine.
Molecular consequence: missense variant. On other transcripts: non-coding transcript variant (2).
Genome position (GRCh38, 1-based): chr5:98,902,934, A>C on the plus strand (T>G on the coding strand, the complement: CHD1 is on the minus strand). VCF-style: chr5-98902934-A-C. GRCh37 (hg19) VCF-style: chr5-98238638-A-C.
Other names: c.403T>G, p.Ser135Ala (NM_001364113.3, NM_001376194.2); short protein forms S135A.
Identifiers: ClinVar variation 3370856 (VCV003370856.1).